The following is an entry in ClinVar:

NM_144773.4(PROKR2):c.719C>T (p.Thr240Ile)

Gene: PROKR2 (prokineticin receptor 2; minus strand). Cytogenetic location: 20p12.3.
Variant type: single nucleotide variant.
Coding change: c.719C>T on transcript NM_144773.4 (MANE Select); coding-DNA position 719, C replaced by T.
Protein change: p.Thr240Ile; replaces threonine 240 with isoleucine.
Molecular consequence: missense variant.
Genome position (GRCh38, 1-based): chr20:5,302,476, G>A on the plus strand (C>T on the coding strand, the complement: PROKR2 is on the minus strand). VCF-style: chr20-5302476-G-A. GRCh37 (hg19) VCF-style: chr20-5283122-G-A.
Other names: short protein forms T240I.
Identifiers: ClinVar variation 1678458 (VCV001678458.5), dbSNP rs932482448, ClinGen allele CA311166924.

ClinVar aggregate classification (germline): Uncertain significance. Review status: criteria provided, multiple submitters, no conflicts (2 of 4 stars). 3 submissions from 3 submitters: Uncertain significance (3). Last evaluated 2024-04-11.

Allele frequency attached by ClinVar (database versions not stated): gnomAD exomes below 0.00001 and 0.00001; TOPMed 0.00003.

Submissions (3):

Women's Health and Genetics/Laboratory Corporation of America, LabCorp
Classification: Uncertain significance. Last evaluated: 2024-04-11. Review status: criteria provided, single submitter. Criteria: LabCorp Variant Classification Summary - May 2015. Collection method: clinical testing. Allele origin: germline.
Comment: Variant summary: PROKR2 c.719C>T (p.Thr240Ile) results in a non-conservative amino acid change in the GPCR, rhodopsin-like, 7TM domain (IPR017452) of the encoded protein sequence. Three of five in-silico tools predict a damaging effect of the variant on protein function. The variant allele was found at a frequency of 8e-06 in 251444 control chromosomes. The available data on variant occurrences in the general population are insufficient to allow any conclusion about variant significance. c.719C>T has been not been reported in individuals affected with Kallmann Syndrome 3. Co-occurrences with other pathogenic variant(s) have been reported (SF3B4 c.1060_1061insC, R354fs) in a patient with Nager syndrome (Pengelly_2015). To our knowledge, no experimental evidence demonstrating an impact on protein function has been reported. The following publication have been ascertained in the context of this evaluation (PMID: 25441681). ClinVar contains an entry for this variant (Variation ID: 1678458). Based on the evidence outlined above, the variant was classified as uncertain significance.

Labcorp Genetics (formerly Invitae), Labcorp
Classification: Uncertain significance. Last evaluated: 2023-06-30. Review status: criteria provided, single submitter. Criteria: Invitae Variant Classification Sherloc (09022015). Collection method: clinical testing. Allele origin: germline.
Comment: ClinVar contains an entry for this variant (Variation ID: 1678458). Advanced modeling of protein sequence and biophysical properties (such as structural, functional, and spatial information, amino acid conservation, physicochemical variation, residue mobility, and thermodynamic stability) performed at Invitae indicates that this missense variant is not expected to disrupt PROKR2 protein function. In summary, the available evidence is currently insufficient to determine the role of this variant in disease. Therefore, it has been classified as a Variant of Uncertain Significance. This variant has not been reported in the literature in individuals affected with PROKR2-related conditions. This sequence change replaces threonine, which is neutral and polar, with isoleucine, which is neutral and non-polar, at codon 240 of the PROKR2 protein (p.Thr240Ile). This variant is present in population databases (no rsID available, gnomAD 0.007%).

AiLife Diagnostics
Classification: Uncertain significance. Last evaluated: 2021-06-16. Review status: criteria provided, single submitter. Criteria: ACMG Guidelines, 2015. Collection method: clinical testing. Allele origin: germline. Affected: yes. Observed: 1 variant allele.

Literature cited by the submitters: PubMed 25441681 (cited by Women's Health and Genetics/Laboratory Corporation of America, LabCorp).